The following is an entry in ClinVar:

NM_014681.6(DHX34):c.1839C>T (p.Ser613=)

Gene: DHX34 (DExH-box helicase 34; plus strand). Cytogenetic location: 19q13.32.
Variant type: single nucleotide variant.
Coding change: c.1839C>T on transcript NM_014681.6 (MANE Select); coding-DNA position 1839, C replaced by T.
Protein change: p.Ser613=; no amino-acid change (serine 613 retained).
Molecular consequence: synonymous variant.
Genome position (GRCh38, 1-based): chr19:47,372,800, C>T. VCF-style: chr19-47372800-C-T. GRCh37 (hg19) VCF-style: chr19-47876057-C-T.
Identifiers: ClinVar variation 718689 (VCV000718689.30), dbSNP rs151030783, ClinGen allele CA9538243.
Genomic context (GRCh38, chr19:47,372,800, plus strand): 5'-GATCCTGGGCTCCATGTTCAGCCTGGTGGAGCCTGTGCTCACCATCGCAGCCGCACTTAG[C>T]GTCCAGTCGCCCTTCACCCGCAGCGCCCAGAGCAGCCCAGAGTGCGCGGCAGCACGGCGG-3'
Protein context (NP_055496.2, residues 603-623): EPVLTIAAAL[Ser613=]VQSPFTRSAQ

ClinVar aggregate classification (germline): Likely benign. Review status: criteria provided, multiple submitters, no conflicts (2 of 4 stars). 5 submissions from 5 submitters: Likely benign (4). 1 of the submissions does not count toward it. Last evaluated 2024-11-13.

Conditions:
DHX34-related disorder. Also called: DHX34-related condition.

Allele frequency attached by ClinVar (database versions not stated): 1000 Genomes Project 0.00040; gnomAD 0.00047 and 0.00048; gnomAD exomes 0.00050 and 0.00060; ExAC 0.00052; ESP Exome Variant Server 0.00054; 1000 Genomes Project 30x 0.00062; TOPMed 0.00062.
gnomAD v4.1: 839 of 1,613,146 alleles (0.052%); highest among the groups gnomAD compares: Middle Eastern, 1.4%; 4 homozygotes.

Submissions (5):

Blueprint Genetics
Classification: Likely benign. Last evaluated: 2024-11-13. Review status: criteria provided, single submitter. Criteria: ACMG Guidelines, 2015. Collection method: clinical testing. Allele origin: germline.

CeGaT Center for Human Genetics Tuebingen
Classification: Likely benign. Last evaluated: 2023-02-01. Review status: criteria provided, single submitter. Criteria: CeGaT Center For Human Genetics Tuebingen Variant Classification Criteria Version 2. Collection method: clinical testing. Allele origin: germline. Affected: yes. Observed: 2 variant alleles.
Comment: DHX34: BP4, BP7

Labcorp Genetics (formerly Invitae), Labcorp
Classification: Likely benign. Last evaluated: 2018-03-29. Review status: criteria provided, single submitter. Criteria: Invitae Variant Classification Sherloc (09022015). Collection method: clinical testing. Allele origin: germline.

Breakthrough Genomics
Classification: Likely benign. Review status: criteria provided, single submitter. Criteria: ACMG Guidelines, 2015. Collection method: not provided. Allele origin: germline. Inheritance: Unknown mechanism. Affected: yes.

PreventionGenetics, part of Exact Sciences
Classification: Likely benign for DHX34-related condition. Last evaluated: 2019-11-05. Review status: no assertion criteria provided. Collection method: clinical testing. Allele origin: germline. Not counted in ClinVar's aggregate classification.
Comment: This variant is classified as likely benign based on ACMG/AMP sequence variant interpretation guidelines (Richards et al. 2015 PMID: 25741868, with internal and published modifications).